The following is an entry in ClinVar:

NM_000059.4(BRCA2):c.4592_4593del (p.Lys1531fs)

Gene: BRCA2 (BRCA2 DNA repair associated; plus strand). Cytogenetic location: 13q13.1.
Variant type: Deletion.
Coding change: c.4592_4593del on transcript NM_000059.4 (MANE Select); coding-DNA positions 4592 to 4593, 2 bases deleted (AA; older notation c.4592_4593delAA).
Protein change: p.Lys1531fs; shifts the reading frame from lysine 1531.
Molecular consequence: frameshift variant.
Genome position (GRCh38, 1-based): chr13:32,338,947-32,338,948, AA deleted; deleting any 2 consecutive bases within chr13:32,338,943-32,338,948 gives the same sequence; the c. name uses the placement nearest the transcript's 3' end. VCF-style (leftmost placement, unchanged base first): chr13-32338942-GAA-G. GRCh37 (hg19) VCF-style: chr13-32913079-GAA-G.
Other names: c.4592_4593delAA (NM_000059.3); short protein forms K1531fs.
Identifiers: ClinVar variation 630683 (VCV000630683.9), dbSNP rs397507731, ClinGen allele CA913188588.

ClinVar aggregate classification (germline): Pathogenic. Review status: criteria provided, multiple submitters, no conflicts (2 of 4 stars). 3 submissions from 3 submitters: Pathogenic (3). Last evaluated 2025-06-09.

Conditions:
Hereditary cancer-predisposing syndrome. Also called: Tumor predisposition; Neoplastic Syndromes, Hereditary; Hereditary neoplastic syndrome; Hereditary Cancer Syndrome. Identifiers: Orphanet 140162, MedGen C0027672, MeSH D009386, MONDO:0015356.
Hereditary breast ovarian cancer syndrome. Also called: Hereditary breast and ovarian cancer; Hereditary breast and ovarian cancer syndrome (HBOC); Breast and ovarian cancer; Hereditary breast and ovarian cancer syndrome; BRCA1- and BRCA2-Associated Hereditary Breast and Ovarian Cancer; Hereditary breast and/or ovarian cancer syndrome. Identifiers: Orphanet 145, MedGen C0677776, MeSH D061325, MONDO:0003582. Disease mechanism: loss of function.

Submissions (3):

Labcorp Genetics (formerly Invitae), Labcorp
Classification: Pathogenic for Hereditary breast ovarian cancer syndrome. Last evaluated: 2025-06-09. Review status: criteria provided, single submitter. Criteria: Invitae Variant Classification Sherloc (09022015). Collection method: clinical testing. Allele origin: germline.
Comment: This sequence change creates a premature translational stop signal (p.Lys1531Serfs*2) in the BRCA2 gene. It is expected to result in an absent or disrupted protein product. Loss-of-function variants in BRCA2 are known to be pathogenic (PMID: 20104584). This variant is not present in population databases (gnomAD no frequency). This variant has not been reported in the literature in individuals affected with BRCA2-related conditions. ClinVar contains an entry for this variant (Variation ID: 630683). For these reasons, this variant has been classified as Pathogenic.

Ambry Genetics
Classification: Pathogenic for Hereditary cancer-predisposing syndrome. Last evaluated: 2022-05-24. Review status: criteria provided, single submitter. Criteria: Ambry Variant Classification Scheme 2023. Collection method: clinical testing. Allele origin: germline.
Comment: The c.4592_4593delAA pathogenic mutation, located in coding exon 10 of the BRCA2 gene, results from a deletion of two nucleotides at nucleotide positions 4592 to 4593, causing a translational frameshift with a predicted alternate stop codon (p.K1531Sfs*2). This variant is considered to be rare based on population cohorts in the Genome Aggregation Database (gnomAD). This alteration is expected to result in loss of function by premature protein truncation or nonsense-mediated mRNA decay. As such, this alteration is interpreted as a disease-causing mutation.

Color Diagnostics, LLC DBA Color Health
Classification: Pathogenic for Hereditary cancer-predisposing syndrome. Last evaluated: 2020-05-13. Review status: criteria provided, single submitter. Criteria: ACMG Guidelines, 2015. Collection method: clinical testing. Allele origin: germline.
Comment: This variant deletes 2 nucleotides in exon 11 of the BRCA2 gene, creating a frameshift and premature translation stop signal. This variant is expected to result in an absent or non-functional protein product. To our knowledge, this variant has not been reported in individuals affected with hereditary cancer in the literature. This variant has not been identified in the general population by the Genome Aggregation Database (gnomAD). Loss of BRCA2 function is a known mechanism of disease. Based on the available evidence, this variant is classified as Pathogenic.

Literature cited by the submitters: PubMed 20104584 (cited by Labcorp Genetics (formerly Invitae), Labcorp).